The following is an entry in ClinVar:

NM_001040108.2(MLH3):c.3326C>A (p.Pro1109His)

Gene: MLH3 (mutL homolog 3; minus strand). Cytogenetic location: 14q24.3.
Variant type: single nucleotide variant.
Coding change: c.3326C>A on transcript NM_001040108.2 (MANE Select); coding-DNA position 3326, C replaced by A.
Protein change: p.Pro1109His; replaces proline 1109 with histidine.
Molecular consequence: missense variant.
Genome position (GRCh38, 1-based): chr14:75,042,432, G>T on the plus strand (C>A on the coding strand, the complement: MLH3 is on the minus strand). VCF-style: chr14-75042432-G-T. GRCh37 (hg19) VCF-style: chr14-75509135-G-T.
Other names: c.3326C>A, p.Pro1109His (NM_014381.3); short protein forms P1109H.
Identifiers: ClinVar variation 4055484 (VCV004055484.1).

ClinVar aggregate classification (germline): Uncertain significance (1 of 4 stars; one submission).

Submission:

Ambry Genetics
Classification: Uncertain significance. Last evaluated: 2025-04-16. Review status: criteria provided, single submitter. Criteria: Ambry Variant Classification Scheme 2023. Collection method: clinical testing. Allele origin: germline.
Comment: The p.P1109H variant (also known as c.3326C>A), located in coding exon 2 of the MLH3 gene, results from a C to A substitution at nucleotide position 3326. The proline at codon 1109 is replaced by histidine, an amino acid with similar properties. This amino acid position is conserved. In addition, this alteration is predicted to be deleterious by in silico analysis. Based on the available evidence, the clinical significance of this variant remains unclear.